The following is an entry in ClinVar:

NM_001379500.1(COL18A1):c.3524T>C (p.Leu1175Pro)

Genes: COL18A1 (collagen type XVIII alpha 1 chain; plus strand), SLC19A1 (solute carrier family 19 member 1; minus strand). Cytogenetic location: 21q22.3.
Variant type: single nucleotide variant.
Coding change: c.3524T>C on transcript NM_001379500.1 (MANE Select); coding-DNA position 3524, T replaced by C.
Protein change: p.Leu1175Pro; replaces leucine 1175 with proline.
Molecular consequence: missense variant.
Genome position (GRCh38, 1-based): chr21:45,510,092, T>C. VCF-style: chr21-45510092-T-C. GRCh37 (hg19) VCF-style: chr21-46930006-T-C.
Other names: c.4055T>C, p.Leu1352Pro (NM_030582.4); c.4760T>C, p.Leu1587Pro (NM_130444.3); short protein forms L1175P, L1352P, L1587P.
Identifiers: ClinVar variation 1026825 (VCV001026825.6), dbSNP rs2037488547, ClinGen allele CA410501503.

ClinVar aggregate classification (germline): Uncertain significance (1 of 4 stars; one submission).

Allele frequency attached by ClinVar (database versions not stated): TOPMed 0.00001.
gnomAD v4.1: 19 of 1,585,600 alleles (0.0012%); highest among the groups gnomAD compares: Middle Eastern, 0.02%; no homozygotes.

Submission:

Labcorp Genetics (formerly Invitae), Labcorp
Classification: Uncertain significance. Last evaluated: 2022-09-21. Review status: criteria provided, single submitter. Criteria: Invitae Variant Classification Sherloc (09022015). Collection method: clinical testing. Allele origin: germline.
Comment: This variant has not been reported in the literature in individuals affected with COL18A1-related conditions. Experimental studies and prediction algorithms are not available or were not evaluated, and the functional significance of this variant is currently unknown. In summary, the available evidence is currently insufficient to determine the role of this variant in disease. Therefore, it has been classified as a Variant of Uncertain Significance. This variant is not present in population databases (gnomAD no frequency). This sequence change replaces leucine, which is neutral and non-polar, with proline, which is neutral and non-polar, at codon 1172 of the COL18A1 protein (p.Leu1172Pro).